The following is an entry in ClinVar:

NM_181523.3(PIK3R1):c.917-14_917-9del

Gene: PIK3R1 (phosphoinositide-3-kinase regulatory subunit 1; plus strand). Cytogenetic location: 5q13.1.
Variant type: Microsatellite.
Coding change: c.917-14_917-9del on transcript NM_181523.3 (MANE Select); 14 bases into the intron before coding-DNA position 917 through 9 bases into the intron before coding-DNA position 917, 6 bases deleted (TTTTTC; older notation c.917-14_917-9delTTTTTC).
Molecular consequence: intron variant.
Genome position (GRCh38, 1-based): chr5:68,292,245-68,292,250, TTTTTC deleted; deleting any 6 consecutive bases within chr5:68,292,238-68,292,250 gives the same sequence; the c. name uses the placement nearest the transcript's 3' end. VCF-style (leftmost placement, unchanged base first): chr5-68292237-ACTTTTT-A. GRCh37 (hg19) VCF-style: chr5-67588065-ACTTTTT-A.
Other names: NC_000005.9:g.67588073_67588078del; c.917-14_917-9delTTTTTC (NM_181523.3); c.17-14_17-9del (NM_181524.2); c.107-14_107-9del (NM_181504.4).
Identifiers: ClinVar variation 1403853 (VCV001403853.8), dbSNP rs2112244267, ClinGen allele CA2580613568.

ClinVar aggregate classification (germline): Uncertain significance (1 of 4 stars; one submission).
ClinVar aggregate classification (oncogenicity): Uncertain significance (1 of 4 stars; one submission).

Conditions:
SHORT syndrome. Also called: LIPODYSTROPHY, PARTIAL, WITH RIEGER ANOMALY AND SHORT STATURE; PIK3R1-Related SHORT Syndrome; SHORT STATURE, HYPEREXTENSIBILITY, HERNIA, OCULAR DEPRESSION, RIEGER ANOMALY, AND TEETHING DELAY. Identifiers: Orphanet 3163, MedGen C0878684, MONDO:0010026, OMIM 269880.
Agammaglobulinemia 7, autosomal recessive (AGM7). Also called: AGAMMAGLOBULINEMIA, AUTOSOMAL RECESSIVE, DUE TO PIK3R1 DEFECT. Identifiers: MedGen C3554689, MONDO:0014083, OMIM 615214.
Immunodeficiency 36 with lymphoproliferation. Also called: Immunodeficiency 36; ACTIVATED PI3K-DELTA SYNDROME 2; Activated PI3K Delta Syndrome Type 2 (APDS2). Identifiers: Orphanet 397596, Orphanet 693681, MedGen C4014934, MONDO:0014453, OMIM 616005.
Neoplasm. Also called: tumor; Neoplasms; Neoplasm (disease). Identifiers: MedGen C0027651, MeSH D009369, MONDO:0005070, HP:0002664.

Submissions (4):

Center for Genomic Medicine, Rigshospitalet, Copenhagen University Hospital
Classification: Uncertain significance for Neoplasm. Last evaluated: 2025-03-04. Review status: criteria provided, single submitter. Criteria: ClinGen/CGC/VICC Guidelines for Oncogenicity, 2022. Collection method: clinical testing. Allele origin: somatic. Affected: yes.

Labcorp Genetics (formerly Invitae), Labcorp
Classification: Uncertain significance for SHORT syndrome; Immunodeficiency 36 with lymphoproliferation; Agammaglobulinemia 7, autosomal recessive. Last evaluated: 2022-03-02. Review status: criteria provided, single submitter. Criteria: Invitae Variant Classification Sherloc (09022015). Collection method: clinical testing. Allele origin: germline.
Comment: This variant has not been reported in the literature in individuals affected with PIK3R1-related conditions. This variant is not present in population databases (gnomAD no frequency). This sequence change falls in intron 7 of the PIK3R1 gene. It does not directly change the encoded amino acid sequence of the PIK3R1 protein. Algorithms developed to predict the effect of sequence changes on RNA splicing suggest that this variant may disrupt the consensus splice site. In summary, the available evidence is currently insufficient to determine the role of this variant in disease. Therefore, it has been classified as a Variant of Uncertain Significance.

Dr. Peter K. Rogan Lab, Western University
No classification provided (evidence only). Condition: Glioma susceptibility 1. Review status: no classification provided. Collection method: in vitro. Allele origin: not applicable. Functional consequence: skipped exon. Not counted in ClinVar's aggregate classification.

Dr. Peter K. Rogan Lab, Western University
No classification provided (evidence only). Condition: Glioma susceptibility 1. Review status: no classification provided. Collection method: in vitro. Allele origin: not applicable. Functional consequence: skipped exon, retained intron. Not counted in ClinVar's aggregate classification.